The following is an entry in ClinVar:

NM_000092.5(COL4A4):c.3684G>A (p.Lys1228=)

Gene: COL4A4 (collagen type IV alpha 4 chain; minus strand). Cytogenetic location: 2q36.3.
Variant type: single nucleotide variant.
Coding change: c.3684G>A on transcript NM_000092.5 (MANE Select); coding-DNA position 3684, G replaced by A.
Protein change: p.Lys1228=; no amino-acid change (lysine 1228 retained).
Molecular consequence: synonymous variant.
Genome position (GRCh38, 1-based): chr2:227,032,170, C>T on the plus strand (G>A on the coding strand, the complement: COL4A4 is on the minus strand). VCF-style: chr2-227032170-C-T. GRCh37 (hg19) VCF-style: chr2-227896886-C-T.
Other names: p.Lys1228=.
Identifiers: ClinVar variation 255032 (VCV000255032.27), dbSNP rs2229812, ClinGen allele CA2144453.

ClinVar aggregate classification (germline): Benign. Review status: criteria provided, multiple submitters, no conflicts (2 of 4 stars). 13 submissions from 13 submitters: Benign (12). 1 of the submissions does not count toward it. Last evaluated 2026-02-04.

Conditions:
Alport syndrome. Also called: Hemorrhagic familial nephritis; Hemorrhagic hereditary nephritis; Congenital hereditary hematuria. Identifiers: Orphanet 63, MedGen C1567741, MONDO:0018965.
Autosomal recessive Alport syndrome (ATS2). Also called: ALPORT SYNDROME 2, AUTOSOMAL RECESSIVE; Alport syndrome type 2; COL4A4 Alport Syndrome and Thin Basement Membrane Nephropathy; COL4A3-Related Nephropathy. Identifiers: Orphanet 63, Orphanet 88919, MedGen C4746745, MONDO:0008762, OMIM 203780.

Allele frequency attached by ClinVar (database versions not stated): gnomAD exomes 0.44169 and 0.47388; ESP Exome Variant Server 0.45256; gnomAD 0.46642 and 0.46859; TOPMed 0.46890; ExAC 0.47163; 1000 Genomes Project 30x 0.49360; 1000 Genomes Project 0.49561.
gnomAD v4.1: 716,844 of 1,613,548 alleles (44%); highest among the groups gnomAD compares: South Asian, 57%; 161,616 homozygotes.

Submissions (13):

Labcorp Genetics (formerly Invitae), Labcorp
Classification: Benign. Last evaluated: 2026-02-04. Review status: criteria provided, single submitter. Criteria: Invitae Variant Classification Sherloc (09022015). Collection method: clinical testing. Allele origin: germline.

Women's Health and Genetics/Laboratory Corporation of America, LabCorp
Classification: Benign. Last evaluated: 2024-11-29. Review status: criteria provided, single submitter. Criteria: LabCorp Variant Classification Summary - May 2015. Collection method: clinical testing. Allele origin: germline.

Blueprint Genetics
Classification: Benign. Last evaluated: 2024-11-26. Review status: criteria provided, single submitter. Criteria: ACMG Guidelines, 2015. Collection method: clinical testing. Allele origin: germline.

Unidad de Genómica Garrahan, Hospital de Pediatría Garrahan
Classification: Benign. Last evaluated: 2024-07-15. Review status: criteria provided, single submitter. Criteria: ACMG Guidelines, 2015. Collection method: clinical testing. Allele origin: germline. Affected: no. Observed: 62 variant alleles.
Comment: This variant is classified as Benign based on local population frequency. This variant was detected in 67% of patients studied in a panel designed for Epileptic and Developmental Encephalopathy and Progressive Myoclonus Epilepsy. Number of patients: 62. Only high quality variants are reported.

Mayo Clinic Laboratories, Mayo Clinic
Classification: Benign. Last evaluated: 2022-03-09. Review status: criteria provided, single submitter. Criteria: ACMG Guidelines, 2015. Collection method: clinical testing. Allele origin: germline. Observed: 251 variant alleles.

Genome-Nilou Lab
Classification: Benign for Autosomal recessive Alport syndrome. Last evaluated: 2021-07-10. Review status: criteria provided, single submitter. Criteria: ACMG Guidelines, 2015. Collection method: clinical testing. Allele origin: germline. Affected: no.

Illumina Laboratory Services, Illumina
Classification: Benign for Alport syndrome. Last evaluated: 2018-01-12. Review status: criteria provided, single submitter. Criteria: ICSL Variant Classification Criteria 13 December 2019. Collection method: clinical testing. Allele origin: germline.
Comment: This variant was observed in the ICSL laboratory as part of a predisposition screen in an ostensibly healthy population. It had not been previously curated by ICSL or reported in the Human Gene Mutation Database (HGMD: prior to June 1st, 2018), and was therefore a candidate for classification through an automated scoring system. Utilizing variant allele frequency, disease prevalence and penetrance estimates, and inheritance mode, an automated score was calculated to assess if this variant is too frequent to cause the disease. Based on the score and internal cut-off values, a variant classified as benign is not then subjected to further curation. The score for this variant resulted in a classification of benign for this disease.

GeneDx
Classification: Benign. Last evaluated: 2017-05-09. Review status: criteria provided, single submitter. Criteria: GeneDx Variant Classification (06012015). Collection method: clinical testing. Allele origin: germline. Affected: yes.
Comment: This variant is considered likely benign or benign based on one or more of the following criteria: it is a conservative change, it occurs at a poorly conserved position in the protein, it is predicted to be benign by multiple in silico algorithms, and/or has population frequency not consistent with disease.

Athena Diagnostics
Classification: Benign. Last evaluated: 2017-04-28. Review status: criteria provided, single submitter. Criteria: Athena Diagnostics Criteria. Collection method: clinical testing. Allele origin: germline.

Laboratory for Molecular Medicine, Mass General Brigham Personalized Medicine
Classification: Benign. Last evaluated: 2016-03-21. Review status: criteria provided, single submitter. Criteria: LMM Criteria. Collection method: clinical testing. Allele origin: germline. Observed: 194 variant alleles.
Comment: p.Lys1228Lys in exon 39 of COL4A4: This variant is not expected to have clinical significance because it does not alter an amino acid residue, is not located wi thin the splice consensus sequence, and has been identified in 57.17% (9433/1650 0) of South Asian chromosomes by the Exome Aggregation Consortium (ExAC; dbSNP rs2229812).

Breakthrough Genomics
Classification: Benign. Review status: criteria provided, single submitter. Criteria: ACMG Guidelines, 2015. Collection method: not provided. Allele origin: germline. Inheritance: Autosomal recessive inheritance. Affected: yes.

PreventionGenetics, part of Exact Sciences
Classification: Benign. Review status: criteria provided, single submitter. Criteria: ACMG Guidelines, 2015. Collection method: clinical testing. Allele origin: germline.

Natera, Inc.
Classification: Benign for Alport syndrome. Last evaluated: 2020-09-16. Review status: no assertion criteria provided. Collection method: clinical testing. Allele origin: germline. Not counted in ClinVar's aggregate classification.